The following is an entry in ClinVar:

NM_001231.5(CASQ1):c.1062G>A (p.Ala354=)

Gene: CASQ1 (calsequestrin 1; plus strand). Cytogenetic location: 1q23.2.
Variant type: single nucleotide variant.
Coding change: c.1062G>A on transcript NM_001231.5 (MANE Select); coding-DNA position 1062, G replaced by A.
Protein change: p.Ala354=; no amino-acid change (alanine 354 retained).
Molecular consequence: synonymous variant.
Genome position (GRCh38, 1-based): chr1:160,201,247, G>A. VCF-style: chr1-160201247-G-A. GRCh37 (hg19) VCF-style: chr1-160171037-G-A.
Identifiers: ClinVar variation 1382781 (VCV001382781.9), dbSNP rs766861234, ClinGen allele CA1196462.

ClinVar aggregate classification (germline): Uncertain significance (1 of 4 stars; one submission).

Allele frequency attached by ClinVar (database versions not stated): gnomAD 0.00001 and 0.00002; gnomAD exomes 0.00002 and 0.00005; TOPMed 0.00003; ExAC 0.00004.
gnomAD v4.1: 26 of 1,612,592 alleles (0.0016%); highest among the groups gnomAD compares: Admixed American, 0.028%; no homozygotes.

Submissions (2):

Labcorp Genetics (formerly Invitae), Labcorp
Classification: Uncertain significance. Last evaluated: 2026-01-26. Review status: criteria provided, single submitter. Criteria: Invitae Variant Classification Sherloc (09022015). Collection method: clinical testing. Allele origin: germline.
Comment: This sequence change affects codon 354 of the CASQ1 mRNA. It is a 'silent' change, meaning that it does not change the encoded amino acid sequence of the CASQ1 protein. This variant is present in population databases (rs766861234, gnomAD 0.03%). This variant has not been reported in the literature in individuals affected with CASQ1-related conditions. ClinVar contains an entry for this variant (Variation ID: 1382781). Algorithms developed to predict the effect of sequence changes on RNA splicing suggest that this variant may create or strengthen a splice site. In summary, the available evidence is currently insufficient to determine the role of this variant in disease. Therefore, it has been classified as a Variant of Uncertain Significance.

Dr. Peter K. Rogan Lab, Western University
No classification provided (evidence only). Condition: Uterine corpus endometrial carcinoma. Review status: no classification provided. Collection method: in vitro. Allele origin: not applicable. Functional consequence: retained intron. Not counted in ClinVar's aggregate classification.